The following is an entry in ClinVar:

ClinVar aggregate classification (germline): Likely benign. Review status: criteria provided, multiple submitters, no conflicts (2 of 4 stars). 6 submissions from 6 submitters: Likely benign (6). Last evaluated 2025-12-01.

Conditions:
MYO7A-related disorder. Also called: MYO7A-related disorders.

Allele frequency attached by ClinVar (database versions not stated): gnomAD exomes 0.00005; TOPMed 0.00011; 1000 Genomes Project 30x 0.00016; 1000 Genomes Project 0.00020; ExAC 0.00029.
gnomAD v4.1: 94 of 1,559,120 alleles (0.006%); highest among the groups gnomAD compares: African/African-American, 0.015%; no homozygotes.

Submissions (6):

CeGaT Center for Human Genetics Tuebingen
Classification: Likely benign. Last evaluated: 2025-12-01. Review status: criteria provided, single submitter. Criteria: CeGaT Center For Human Genetics Tuebingen Variant Classification Criteria Version 2. Collection method: clinical testing. Allele origin: germline. Affected: yes. Observed: 1 variant allele.
Comment: MYO7A: BP4, BP7

Women's Health and Genetics/Laboratory Corporation of America, LabCorp
Classification: Likely benign. Last evaluated: 2025-10-01. Review status: criteria provided, single submitter. Criteria: LabCorp Variant Classification Summary - May 2015. Collection method: clinical testing. Allele origin: germline.

Labcorp Genetics (formerly Invitae), Labcorp
Classification: Likely benign. Last evaluated: 2025-09-02. Review status: criteria provided, single submitter. Criteria: Invitae Variant Classification Sherloc (09022015). Collection method: clinical testing. Allele origin: germline.

PreventionGenetics, part of Exact Sciences
Classification: Likely benign for MYO7A-related condition. Last evaluated: 2025-02-28. Review status: criteria provided, single submitter. Criteria: ACMG Guidelines, 2015. Collection method: clinical testing. Allele origin: germline.
Comment: This variant is classified as likely benign based on ACMG/AMP sequence variant interpretation guidelines (Richards et al. 2015 PMID: 25741868, with internal and published modifications).

Blueprint Genetics
Classification: Likely benign. Last evaluated: 2024-01-31. Review status: criteria provided, single submitter. Criteria: ACMG Guidelines, 2015. Collection method: clinical testing. Allele origin: germline.

Laboratory for Molecular Medicine, Mass General Brigham Personalized Medicine
Classification: Likely benign. Last evaluated: 2010-08-17. Review status: criteria provided, single submitter. Criteria: LMM Criteria. Collection method: clinical testing. Allele origin: germline. Observed: 2 variant alleles.
Comment: Ser607Ser in exon 16 of MYO7A: This variant is not expected to have clinical sig nificance because it does not alter an amino acid residue and is not located nea r a splice junction.

NM_000260.4(MYO7A):c.1821G>A (p.Ser607=)

Gene: MYO7A (myosin VIIA; plus strand). Cytogenetic location: 11q13.5.
Variant type: single nucleotide variant.
Coding change: c.1821G>A on transcript NM_000260.4 (MANE Select); coding-DNA position 1821, G replaced by A.
Protein change: p.Ser607=; no amino-acid change (serine 607 retained).
Molecular consequence: synonymous variant.
Genome position (GRCh38, 1-based): chr11:77,172,771, G>A. VCF-style: chr11-77172771-G-A. GRCh37 (hg19) VCF-style: chr11-76883817-G-A.
Other names: c.1821G>A, p.Ser607= (NM_001127180.2); c.1788G>A, p.Ser596= (NM_001369365.1).
Identifiers: ClinVar variation 43157 (VCV000043157.23), dbSNP rs397516288, ClinGen allele CA132219.